The following is an entry in ClinVar:

ClinVar aggregate classification (germline): Uncertain significance. Review status: criteria provided, single submitter (1 of 4 stars). 2 submissions from 2 submitters: Uncertain significance (1). 1 of the submissions does not count toward it. Last evaluated 2021-06-13.

Conditions:
Prostate cancer, hereditary, 1 (HPC1). Identifiers: Orphanet 1331, MedGen C4722327, MONDO:0011098, OMIM 601518.

Submissions (2):

Labcorp Genetics (formerly Invitae), Labcorp
Classification: Uncertain significance. Last evaluated: 2021-06-13. Review status: criteria provided, single submitter. Criteria: Invitae Variant Classification Sherloc (09022015). Collection method: clinical testing. Allele origin: germline.
Comment: Algorithms developed to predict the effect of missense changes on protein structure and function (SIFT, PolyPhen-2, Align-GVGD) all suggest that this variant is likely to be tolerated, but these predictions have not been confirmed by published functional studies and their clinical significance is uncertain. In summary, the available evidence is currently insufficient to determine the role of this variant in disease. Therefore, it has been classified as a Variant of Uncertain Significance. This variant has not been reported in the literature in individuals with HOXB13-related conditions. ClinVar contains an entry for this variant (Variation ID: 691155). This variant is not present in population databases (ExAC no frequency). This sequence change replaces alanine with glycine at codon 236 of the HOXB13 protein (p.Ala236Gly). The alanine residue is moderately conserved and there is a small physicochemical difference between alanine and glycine.

Laboratory of Virology, Microbiology,  Quality and Medical Biotechnologies, Faculty of Sciences and Techniques - Mohammedia, Hassan II University of Casablanca
Classification: Uncertain significance for Prostate cancer, hereditary, 1. Review status: no assertion criteria provided. Collection method: clinical testing. Allele origin: somatic. Affected: yes. Not counted in ClinVar's aggregate classification.

NM_006361.6(HOXB13):c.707C>G (p.Ala236Gly)

Gene: HOXB13 (homeobox B13; minus strand). Cytogenetic location: 17q21.32.
Variant type: single nucleotide variant.
Coding change: c.707C>G on transcript NM_006361.6 (MANE Select); coding-DNA position 707, C replaced by G.
Protein change: p.Ala236Gly; replaces alanine 236 with glycine.
Molecular consequence: missense variant.
Genome position (GRCh38, 1-based): chr17:48,726,938, G>C on the plus strand (C>G on the coding strand, the complement: HOXB13 is on the minus strand). VCF-style: chr17-48726938-G-C. GRCh37 (hg19) VCF-style: chr17-46804300-G-C.
Other names: short protein forms A236G.
Identifiers: ClinVar variation 691155 (VCV000691155.9), dbSNP rs754487444, ClinGen allele CA400106449.